The following is an entry in ClinVar:

NM_000037.4(ANK1):c.3234C>T (p.Pro1078=)

Gene: ANK1 (ankyrin 1; minus strand). Cytogenetic location: 8p11.21.
Variant type: single nucleotide variant.
Coding change: c.3234C>T on transcript NM_000037.4 (MANE Select); coding-DNA position 3234, C replaced by T.
Protein change: p.Pro1078=; no amino-acid change (proline 1078 retained).
Molecular consequence: synonymous variant.
Genome position (GRCh38, 1-based): chr8:41,694,685, G>A on the plus strand (C>T on the coding strand, the complement: ANK1 is on the minus strand). VCF-style: chr8-41694685-G-A. GRCh37 (hg19) VCF-style: chr8-41552203-G-A.
Other names: p.Pro1078=; c.3357C>T, p.Pro1119= (NM_001142446.2); c.3234C>T, p.Pro1078= (NM_020475.3, NM_020476.3, NM_020477.3).
Identifiers: ClinVar variation 363009 (VCV000363009.32), dbSNP rs755219802, ClinGen allele CA4727935.

ClinVar aggregate classification (germline): Conflicting classifications of pathogenicity. Review status: criteria provided, conflicting classifications (1 of 4 stars). 6 submissions from 5 submitters: Uncertain significance (2); Benign (1); Likely benign (3). Last evaluated 2025-01-13.

Conditions:
Spherocytosis. Identifiers: MedGen C0553720, HP:0004444.
Hereditary spherocytosis type 1. Also called: Spherocytosis type 1; ANK1-Related Spherocytosis. Identifiers: Orphanet 822, MedGen C2674218, MONDO:0008447, OMIM 182900.

Allele frequency attached by ClinVar (database versions not stated): ExAC 0.00002; gnomAD exomes 0.00004 and 0.00005; gnomAD 0.00009 and 0.00011; TOPMed 0.00022.
gnomAD v4.1: 91 of 1,614,002 alleles (0.0056%); highest among the groups gnomAD compares: Admixed American, 0.028%; no homozygotes.

Submissions (6):

Mayo Clinic Laboratories, Mayo Clinic
Classification: Likely benign. Last evaluated: 2025-01-13. Review status: criteria provided, single submitter. Criteria: ACMG Guidelines, 2015. Collection method: clinical testing. Allele origin: germline. Observed: 1 variant allele.
Comment: BP4, BP7

ARUP Laboratories, Molecular Genetics and Genomics, ARUP Laboratories
Classification: Benign for Hereditary spherocytosis type 1. Last evaluated: 2024-02-21. Review status: criteria provided, single submitter. Criteria: ARUP Molecular Germline Variant Investigation Process 2024. Collection method: clinical testing. Allele origin: germline.

CeGaT Center for Human Genetics Tuebingen
Classification: Likely benign. Last evaluated: 2022-04-01. Review status: criteria provided, single submitter. Criteria: CeGaT Center For Human Genetics Tuebingen Variant Classification Criteria Version 2. Collection method: clinical testing. Allele origin: germline. Affected: yes. Observed: 1 variant allele.
Comment: ANK1: BP4, BP7

Blueprint Genetics
Classification: Likely benign. Last evaluated: 2021-04-14. Review status: criteria provided, single submitter. Criteria: ACMG Guidelines, 2015. Collection method: clinical testing. Allele origin: germline.

Illumina Laboratory Services, Illumina
Classification: Uncertain significance for Hereditary spherocytosis type 1. Last evaluated: 2018-01-13. Review status: criteria provided, single submitter. Criteria: ICSL Variant Classification Criteria 13 December 2019. Collection method: clinical testing. Allele origin: germline.

Illumina Laboratory Services, Illumina
Classification: Uncertain significance for Spherocytosis. Last evaluated: 2018-01-13. Review status: criteria provided, single submitter. Criteria: ICSL Variant Classification Criteria 13 December 2019. Collection method: clinical testing. Allele origin: germline.